The following is an entry in ClinVar:

NM_032620.4(GTPBP3):c.664+19G>A

Gene: GTPBP3 (GTP binding protein 3, mitochondrial; plus strand). Cytogenetic location: 19p13.11.
Variant type: single nucleotide variant.
Coding change: c.664+19G>A on transcript NM_032620.4 (MANE Select); 19 bases into the intron after coding-DNA position 664, G replaced by A.
Molecular consequence: intron variant. On other transcripts: nonsense (1).
Genome position (GRCh38, 1-based): chr19:17,339,045, G>A. VCF-style: chr19-17339045-G-A. GRCh37 (hg19) VCF-style: chr19-17449854-G-A.
Other names: c.683G>A, p.Trp228Ter (NM_133644.4); c.730+19G>A (NM_001195422.1); c.664+19G>A (NM_001128855.3); short protein forms W228*.
Identifiers: ClinVar variation 1459765 (VCV001459765.6), dbSNP rs2145701950, ClinGen allele CA404735571.

ClinVar aggregate classification (germline): Pathogenic (1 of 4 stars; one submission).

gnomAD v4.1: 1 of 1,614,174 alleles (0.000062%); no homozygotes.

Submission:

Labcorp Genetics (formerly Invitae), Labcorp
Classification: Pathogenic. Last evaluated: 2021-09-19. Review status: criteria provided, single submitter. Criteria: Invitae Variant Classification Sherloc (09022015). Collection method: clinical testing. Allele origin: germline.
Comment: For these reasons, this variant has been classified as Pathogenic. This variant is not present in population databases (ExAC no frequency). This sequence change creates a premature translational stop signal (p.Trp228*) in the GTPBP3 gene. It is expected to result in an absent or disrupted protein product. Loss-of-function variants in GTPBP3 are known to be pathogenic (PMID: 25434004). This variant has not been reported in the literature in individuals affected with GTPBP3-related conditions. Algorithms developed to predict the effect of sequence changes on RNA splicing suggest that this variant may create or strengthen a splice site.

Literature cited by the submitters: PubMed 25434004.